The following is an entry in ClinVar:

ClinVar aggregate classification (germline): Uncertain significance (1 of 4 stars; one submission).

Conditions:
Wolman disease (WOLD). Also called: Acid cholesteryl ester hydrolase deficiency, Wolman type; Acid lipase disease; Wolman disease, CESD; Wolman disease with hypolipoproteinemia and acanthocytosis; LYSOSOMAL ACID LIPASE DEFICIENCY, ACUTE INFANTILE; LYSOSOMAL ACID LIPASE DEFICIENCY, COMPLETE. Identifiers: Orphanet 75233, MedGen C0043208, MONDO:0019148, OMIM 620151.

Allele frequency attached by ClinVar (database versions not stated): gnomAD exomes below 0.00001; TOPMed 0.00001.
gnomAD v4.1: 4 of 1,611,904 alleles (0.00025%); highest among the groups gnomAD compares: East Asian, 0.0067%; no homozygotes.

Submission:

Labcorp Genetics (formerly Invitae), Labcorp
Classification: Uncertain significance for Wolman disease. Last evaluated: 2022-07-14. Review status: criteria provided, single submitter. Criteria: Invitae Variant Classification Sherloc (09022015). Collection method: clinical testing. Allele origin: germline.
Comment: This sequence change replaces threonine, which is neutral and polar, with isoleucine, which is neutral and non-polar, at codon 327 of the LIPA protein (p.Thr327Ile). This variant is present in population databases (no rsID available, gnomAD 0.006%). This variant has not been reported in the literature in individuals affected with LIPA-related conditions. Algorithms developed to predict the effect of missense changes on protein structure and function (SIFT, PolyPhen-2, Align-GVGD) all suggest that this variant is likely to be tolerated. In summary, the available evidence is currently insufficient to determine the role of this variant in disease. Therefore, it has been classified as a Variant of Uncertain Significance.

NM_000235.4(LIPA):c.980C>T (p.Thr327Ile)

Gene: LIPA (lipase A, lysosomal acid type; minus strand). Cytogenetic location: 10q23.31.
Variant type: single nucleotide variant.
Coding change: c.980C>T on transcript NM_000235.4 (MANE Select); coding-DNA position 980, C replaced by T.
Protein change: p.Thr327Ile; replaces threonine 327 with isoleucine.
Molecular consequence: missense variant.
Genome position (GRCh38, 1-based): chr10:89,215,048, G>A on the plus strand (C>T on the coding strand, the complement: LIPA is on the minus strand). VCF-style: chr10-89215048-G-A. GRCh37 (hg19) VCF-style: chr10-90974805-G-A.
Other names: c.980C>T, p.Thr327Ile (NM_001127605.3); c.632C>T, p.Thr211Ile (NM_001288979.2); short protein forms T211I, T327I.
Identifiers: ClinVar variation 2189040 (VCV002189040.1), dbSNP rs1457043449, ClinGen allele CA377516408.